The following is an entry in ClinVar:

NM_015164.4(PLEKHM2):c.712G>A (p.Asp238Asn)

Gene: PLEKHM2 (pleckstrin homology and RUN domain containing M2; plus strand). Cytogenetic location: 1p36.21.
Variant type: single nucleotide variant.
Coding change: c.712G>A on transcript NM_015164.4 (MANE Select); coding-DNA position 712, G replaced by A.
Protein change: p.Asp238Asn; replaces aspartic acid 238 with asparagine.
Molecular consequence: missense variant.
Genome position (GRCh38, 1-based): chr1:15,721,388, G>A. VCF-style: chr1-15721388-G-A. GRCh37 (hg19) VCF-style: chr1-16047883-G-A.
Other names: short protein forms D238N.
Identifiers: ClinVar variation 1420568 (VCV001420568.8), dbSNP rs2067996105, ClinGen allele CA338582243.

ClinVar aggregate classification (germline): Uncertain significance (1 of 4 stars; one submission).

Allele frequency attached by ClinVar (database versions not stated): gnomAD exomes below 0.00001; gnomAD 0.00001.

Submission:

Labcorp Genetics (formerly Invitae), Labcorp
Classification: Uncertain significance. Last evaluated: 2022-12-07. Review status: criteria provided, single submitter. Criteria: Invitae Variant Classification Sherloc (09022015). Collection method: clinical testing. Allele origin: germline.
Comment: Algorithms developed to predict the effect of sequence changes on RNA splicing suggest that this variant may disrupt the consensus splice site. This sequence change replaces aspartic acid, which is acidic and polar, with asparagine, which is neutral and polar, at codon 238 of the PLEKHM2 protein (p.Asp238Asn). This variant is not present in population databases (gnomAD no frequency). This variant has not been reported in the literature in individuals affected with PLEKHM2-related conditions. ClinVar contains an entry for this variant (Variation ID: 1420568). Algorithms developed to predict the effect of missense changes on protein structure and function are either unavailable or do not agree on the potential impact of this missense change (SIFT: "Deleterious"; PolyPhen-2: "Benign"; Align-GVGD: "Class C0"). In summary, the available evidence is currently insufficient to determine the role of this variant in disease. Therefore, it has been classified as a Variant of Uncertain Significance.